The following is an entry in ClinVar:

NM_001005242.3(PKP2):c.306C>A (p.Ser102=)

Gene: PKP2 (plakophilin 2; minus strand). Cytogenetic location: 12p11.21.
Variant type: single nucleotide variant.
Coding change: c.306C>A on transcript NM_001005242.3 (MANE Select); coding-DNA position 306, C replaced by A.
Protein change: p.Ser102=; no amino-acid change (serine 102 retained).
Molecular consequence: synonymous variant.
Genome position (GRCh38, 1-based): chr12:32,878,950, G>T on the plus strand (C>A on the coding strand, the complement: PKP2 is on the minus strand). VCF-style: chr12-32878950-G-T. GRCh37 (hg19) VCF-style: chr12-33031884-G-T.
Other names: p.Ser102=; c.306C>A, p.Ser102= (NM_004572.4).
Identifiers: ClinVar variation 227849 (VCV000227849.35), dbSNP rs376613662, ClinGen allele CA036558.
Genomic context (GRCh38, chr12:32,878,950, plus strand): 5'-TCACTAGGGTTACATTCTTTGATATCCTACCTTTAGCATGTCATAGGTTTTAGGAACAGG[G>T]GAACGGCCTCCAACAAAATCATTTTCAACCAAGTGTAGGTTGTAGACATACTCAGGAACA-3'
Protein context (NP_001005242.2, residues 92-112): LVENDFVGGR[Ser102=]PVPKTYDMLK

ClinVar aggregate classification (germline): Conflicting classifications of pathogenicity. Review status: criteria provided, conflicting classifications (1 of 4 stars). 13 submissions from 13 submitters: Uncertain significance (1); Benign (1); Likely benign (10). 1 of the submissions does not count toward it. Last evaluated 2026-02-04.

Conditions:
Cardiovascular phenotype. Identifiers: MedGen CN230736.
PKP2-related disorder. Also called: PKP2-related condition.
Cardiomyopathy (CMYO). Also called: Cardiomyopathies. Identifiers: Orphanet 167848, MedGen C0878544, MONDO:0004994, HP:0001638. Inheritance: Various modes of inheritance.
Arrhythmogenic right ventricular cardiomyopathy (ARVD). Also called: Arrhythmogenic right ventricular dysplasia; Arrhythmogenic cardiomyopathy; Arrhythmogenic Right Ventricular Cardiomyopathy (ARVC); Cardiomyopathy, ARVC. Identifiers: Orphanet 247, MedGen C0349788, MeSH D019571, MONDO:0016587. Disease mechanism: loss of function. Inheritance: Various modes of inheritance.
Arrhythmogenic right ventricular dysplasia 9 (ARVD9). Also called: Arrhythmogenic Right Ventricular Dysplasia/Cardiomyopathy 9; ARRHYTHMOGENIC RIGHT VENTRICULAR DYSPLASIA, FAMILIAL, 9. Identifiers: MedGen C1836906, MONDO:0012180, OMIM 609040.

Allele frequency attached by ClinVar (database versions not stated): gnomAD 0.00011 and 0.00012; TOPMed 0.00012; ESP Exome Variant Server 0.00015; gnomAD exomes 0.00025 and 0.00033; ExAC 0.00049.
gnomAD v4.1: 375 of 1,598,000 alleles (0.023%); highest among the groups gnomAD compares: South Asian, 0.1%; 2 homozygotes.

Submissions (13):

PreventionGenetics, part of Exact Sciences
Classification: Likely benign for PKP2-related condition. Last evaluated: 2026-02-04. Review status: criteria provided, single submitter. Criteria: ACMG Guidelines, 2015. Collection method: clinical testing. Allele origin: germline.
Comment: This variant is classified as likely benign based on ACMG/AMP sequence variant interpretation guidelines (Richards et al. 2015 PMID: 25741868, with internal and published modifications).

Labcorp Genetics (formerly Invitae), Labcorp
Classification: Benign for Arrhythmogenic right ventricular dysplasia 9. Last evaluated: 2025-12-22. Review status: criteria provided, single submitter. Criteria: Invitae Variant Classification Sherloc (09022015). Collection method: clinical testing. Allele origin: germline.

Mayo Clinic Laboratories, Mayo Clinic
Classification: Likely benign. Last evaluated: 2024-11-27. Review status: criteria provided, single submitter. Criteria: ACMG Guidelines, 2015. Collection method: clinical testing. Allele origin: germline. Observed: 3 variant alleles.
Comment: BS1, BP4, BP7

Blueprint Genetics
Classification: Likely benign. Last evaluated: 2024-10-09. Review status: criteria provided, single submitter. Criteria: ACMG Guidelines, 2015. Collection method: clinical testing. Allele origin: germline.

Ambry Genetics
Classification: Likely benign for Cardiovascular phenotype. Last evaluated: 2024-03-28. Review status: criteria provided, single submitter. Criteria: Ambry Variant Classification Scheme 2023. Collection method: clinical testing. Allele origin: germline.

All of Us Research Program, National Institutes of Health
Classification: Likely benign for Arrhythmogenic right ventricular cardiomyopathy. Last evaluated: 2024-02-05. Review status: criteria provided, single submitter. Criteria: ACMG Guidelines, 2015. Collection method: clinical testing. Allele origin: germline. Inheritance: Autosomal dominant inheritance. Observed: 41 variant alleles, 41 heterozygotes.
Comment: This study involves interpretation of variants in research participants for the purpose of population health screening. Participant phenotype was not available at the time of variant classification. Additional details can be found in publication PMID: 35346344, PMCID: PMC8962531

Women's Health and Genetics/Laboratory Corporation of America, LabCorp
Classification: Likely benign. Last evaluated: 2024-01-15. Review status: criteria provided, single submitter. Criteria: LabCorp Variant Classification Summary - May 2015. Collection method: clinical testing. Allele origin: germline.

CHEO Genetics Diagnostic Laboratory, Children's Hospital of Eastern Ontario
Classification: Likely benign for Cardiomyopathy. Last evaluated: 2023-06-14. Review status: criteria provided, single submitter. Criteria: ACMG Guidelines, 2015. Collection method: clinical testing. Allele origin: germline.

GeneDx
Classification: Likely benign. Last evaluated: 2020-09-28. Review status: criteria provided, single submitter. Criteria: GeneDx Variant Classification Process June 2021. Collection method: clinical testing. Allele origin: germline. Affected: yes.

Color Diagnostics, LLC DBA Color Health
Classification: Likely benign for Cardiomyopathy. Last evaluated: 2018-09-28. Review status: criteria provided, single submitter. Criteria: ACMG Guidelines, 2015. Collection method: clinical testing. Allele origin: germline.

Illumina Laboratory Services, Illumina
Classification: Uncertain significance for Arrhythmogenic right ventricular dysplasia 9. Last evaluated: 2018-01-13. Review status: criteria provided, single submitter. Criteria: ICSL Variant Classification Criteria 13 December 2019. Collection method: clinical testing. Allele origin: germline.

Laboratory for Molecular Medicine, Mass General Brigham Personalized Medicine
Classification: Likely benign. Last evaluated: 2015-05-05. Review status: criteria provided, single submitter. Criteria: LMM Criteria. Collection method: clinical testing. Allele origin: germline. Observed: 2 variant alleles.
Comment: p.Ser102Ser in exon 2 of PKP2: This variant is not expected to have clinical sig nificance because it does not alter an amino acid residue and is not located wit hin the splice consensus sequence. It has been identified in 0.1% (22/16510) of South Asian chromosomes including 2 homozygotes and 37/66714 European chromosome s by the Exome Aggregation Consortium (ExAC; db SNP rs376613662).

Cohesion Phenomics
Classification: Likely benign for Cardiomyopathy. Last evaluated: 2022-10-04. Review status: no assertion criteria provided. Criteria: ACMG Guidelines, 2015. Collection method: clinical testing. Allele origin: germline. Affected: yes. Not counted in ClinVar's aggregate classification.

Literature cited by the submitters: PubMed 32746448 (cited by Mayo Clinic Laboratories, Mayo Clinic).